The following is an entry in ClinVar:

ClinVar aggregate classification (germline): Uncertain significance (1 of 4 stars; one submission).

Submission:

Labcorp Genetics (formerly Invitae), Labcorp
Classification: Uncertain significance. Last evaluated: 2023-07-18. Review status: criteria provided, single submitter. Criteria: Invitae Variant Classification Sherloc (09022015). Collection method: clinical testing. Allele origin: germline.
Comment: This variant is not present in population databases (gnomAD no frequency). In summary, the available evidence is currently insufficient to determine the role of this variant in disease. Therefore, it has been classified as a Variant of Uncertain Significance. Algorithms developed to predict the effect of sequence changes on RNA splicing suggest that this variant may disrupt the consensus splice site. This variant has not been reported in the literature in individuals affected with COL9A3-related conditions. This sequence change falls in intron 28 of the COL9A3 gene. It does not directly change the encoded amino acid sequence of the COL9A3 protein.

NM_001853.4(COL9A3):c.1548+15C>A

Genes: COL9A3 (collagen type IX alpha 3 chain; plus strand), LOC126863084 (MED14-independent group 3 enhancer GRCh37_chr20:61467141-61468340; plus strand). Cytogenetic location: 20q13.33.
Variant type: single nucleotide variant.
Coding change: c.1548+15C>A on transcript NM_001853.4 (MANE Select); 15 bases into the intron after coding-DNA position 1548, C replaced by A.
Molecular consequence: intron variant.
Genome position (GRCh38, 1-based): chr20:62,836,348, C>A. VCF-style: chr20-62836348-C-A. GRCh37 (hg19) VCF-style: chr20-61467700-C-A.
Identifiers: ClinVar variation 2744623 (VCV002744623.3), dbSNP rs370265182, ClinGen allele CA2697547443.
Genomic context (GRCh38, chr20:62,836,348, plus strand): 5'-GGGCGTCCCGGGTGTTCCTGGCATCACGGGGAAGCCGGGAGTTCCGGTACGTCGCTTTTC[C>A]GGCTTTTCCAGCTTTCACAGGGTTGAGATCGTGTTTTTTCCGGAAGGAAGTTACTTTGCG-3'